The following is an entry in ClinVar:

ClinVar aggregate classification (germline): Uncertain significance (1 of 4 stars; one submission).

Allele frequency attached by ClinVar (database versions not stated): gnomAD exomes 0.00001.
gnomAD v4.1: 6 of 1,613,168 alleles (0.00037%); highest among the groups gnomAD compares: Non-Finnish European, 0.00051%; no homozygotes.

Submission:

Labcorp Genetics (formerly Invitae), Labcorp
Classification: Uncertain significance. Last evaluated: 2021-10-13. Review status: criteria provided, single submitter. Criteria: Invitae Variant Classification Sherloc (09022015). Collection method: clinical testing. Allele origin: germline.
Comment: In summary, the available evidence is currently insufficient to determine the role of this variant in disease. Therefore, it has been classified as a Variant of Uncertain Significance. Algorithms developed to predict the effect of missense changes on protein structure and function (SIFT, PolyPhen-2, Align-GVGD) all suggest that this variant is likely to be disruptive. This variant has not been reported in the literature in individuals affected with WHRN-related conditions. This variant is not present in population databases (ExAC no frequency). This sequence change replaces tyrosine with cysteine at codon 445 of the WHRN protein (p.Tyr445Cys). The tyrosine residue is highly conserved and there is a large physicochemical difference between tyrosine and cysteine.

NM_015404.4(WHRN):c.1334A>G (p.Tyr445Cys)

Gene: WHRN (whirlin; minus strand). Cytogenetic location: 9q32.
Variant type: single nucleotide variant.
Coding change: c.1334A>G on transcript NM_015404.4 (MANE Select); coding-DNA position 1334, A replaced by G.
Protein change: p.Tyr445Cys; replaces tyrosine 445 with cysteine.
Molecular consequence: missense variant.
Genome position (GRCh38, 1-based): chr9:114,424,416, T>C on the plus strand (A>G on the coding strand, the complement: WHRN is on the minus strand). VCF-style: chr9-114424416-T-C. GRCh37 (hg19) VCF-style: chr9-117186696-T-C.
Other names: c.185A>G, p.Tyr62Cys (NM_001083885.3); c.1334A>G, p.Tyr445Cys (NM_001173425.2); c.281A>G, p.Tyr94Cys (NM_001346890.1); short protein forms Y94C, Y62C, Y445C.
Identifiers: ClinVar variation 1404736 (VCV001404736.6), dbSNP rs777908643, ClinGen allele CA198634698.